The following is an entry in ClinVar:

NM_000256.3(MYBPC3):c.1664T>C (p.Met555Thr)

Gene: MYBPC3 (myosin binding protein C3; minus strand). Cytogenetic location: 11p11.2.
Variant type: single nucleotide variant.
Coding change: c.1664T>C on transcript NM_000256.3 (MANE Select); coding-DNA position 1664, T replaced by C.
Protein change: p.Met555Thr; replaces methionine 555 with threonine.
Molecular consequence: missense variant.
Genome position (GRCh38, 1-based): chr11:47,342,117, A>G on the plus strand (T>C on the coding strand, the complement: MYBPC3 is on the minus strand). VCF-style: chr11-47342117-A-G. GRCh37 (hg19) VCF-style: chr11-47363668-A-G.
Other names: p.M555T:ATG>ACG; c.1664T>C, p.Met555Thr (LRG_386t1); short protein forms M555T.
Identifiers: ClinVar variation 181121 (VCV000181121.19), dbSNP rs730880692, ClinGen allele CA010870.

ClinVar aggregate classification (germline): Conflicting classifications of pathogenicity. Review status: criteria provided, conflicting classifications (1 of 4 stars). 6 submissions from 6 submitters: Uncertain significance (5); Likely benign (1). Last evaluated 2026-01-06.

Conditions:
Cardiovascular phenotype. Identifiers: MedGen CN230736.
Cardiomyopathy (CMYO). Also called: Cardiomyopathies. Identifiers: Orphanet 167848, MedGen C0878544, MONDO:0004994, HP:0001638. Inheritance: Various modes of inheritance.
Hypertrophic cardiomyopathy 4. Also called: Familial hypertrophic cardiomyopathy 4. Identifiers: MedGen C1861862, MONDO:0007268, OMIM 115197.
Hypertrophic cardiomyopathy. Also called: HYPERTROPHIC MYOCARDIOPATHY. Identifiers: Orphanet 217569, MedGen C0007194, MeSH D002312, MONDO:0005045, HP:0001639.

Allele frequency attached by ClinVar (database versions not stated): gnomAD exomes 0.00002; ExAC 0.00003; gnomAD 0.00001.
gnomAD v4.1: 28 of 1,613,738 alleles (0.0017%); highest among the groups gnomAD compares: Middle Eastern, 0.016%; 1 homozygote.

Submissions (6):

Labcorp Genetics (formerly Invitae), Labcorp
Classification: Uncertain significance for Hypertrophic cardiomyopathy. Last evaluated: 2026-01-06. Review status: criteria provided, single submitter. Criteria: Invitae Variant Classification Sherloc (09022015). Collection method: clinical testing. Allele origin: germline.
Comment: This sequence change replaces methionine, which is neutral and non-polar, with threonine, which is neutral and polar, at codon 555 of the MYBPC3 protein (p.Met555Thr). This variant is present in population databases (rs730880692, gnomAD 0.004%). This missense change has been observed in individual(s) with hypertrophic cardiomyopathy or dilated cardiomyopathy (PMID: 16858239, 18533079, 20215591, 26656175, 31424582). ClinVar contains an entry for this variant (Variation ID: 181121). An algorithm developed to predict the effect of missense changes on protein structure and function outputs the following: PolyPhen-2: "Benign". The threonine amino acid residue is found in multiple mammalian species, which suggests that this missense change does not adversely affect protein function. In summary, the available evidence is currently insufficient to determine the role of this variant in disease. Therefore, it has been classified as a Variant of Uncertain Significance.

Color Diagnostics, LLC DBA Color Health
Classification: Uncertain significance for Cardiomyopathy. Last evaluated: 2024-09-03. Review status: criteria provided, single submitter. Criteria: ACMG Guidelines, 2015. Collection method: clinical testing. Allele origin: germline.
Comment: This missense variant replaces methionine with threonine at codon 555 of the MYBPC3 protein. omputational prediction tools indicate that this variant's impact on protein structure and function is inconclusive. To our knowledge, functional studies have not been reported for this variant. This variant has been reported in individuals affected with hypertrophic cardiomyopathy (PMID: 16858239, 18533079, 26656175, 31424582) and in an individual affected with dilated cardiomyopathy (PMID: 20215591). This variant has been identified in 6/280492 chromosomes in the general population by the Genome Aggregation Database (gnomAD). The available evidence is insufficient to determine the role of this variant in disease conclusively. Therefore, this variant is classified as a Variant of Uncertain Significance.

Ambry Genetics
Classification: Likely benign for Cardiovascular phenotype. Last evaluated: 2021-07-09. Review status: criteria provided, single submitter. Criteria: Ambry Variant Classification Scheme 2023. Collection method: clinical testing. Allele origin: germline.

Baylor Genetics
Classification: Uncertain significance for Hypertrophic cardiomyopathy 4. Last evaluated: 2020-04-14. Review status: criteria provided, single submitter. Criteria: ACMG Guidelines, 2015. Collection method: clinical testing. Allele origin: unknown. Affected: yes.
Comment: This variant was determined to be of uncertain significance according to ACMG Guidelines, 2015 [PMID:25741868].

Centre for Mendelian Genomics, University Medical Centre Ljubljana
Classification: Uncertain significance for Hypertrophic cardiomyopathy 4. Last evaluated: 2019-10-03. Review status: criteria provided, single submitter. Criteria: ACMG Guidelines, 2015. Collection method: clinical testing. Allele origin: unknown. Affected: yes.
Comment: This variant was classified as: Uncertain significance. The available evidence on this variant's pathogenicity is insufficient or conflicting. The following ACMG criteria were applied in classifying this variant: BP4.

GeneDx
Classification: Uncertain significance. Last evaluated: 2017-01-26. Review status: criteria provided, single submitter. Criteria: GeneDx Variant Classification (06012015). Collection method: clinical testing. Allele origin: germline. Affected: yes.
Comment: This missense change is denoted p.Met555Thr (M555T) at the protein level and c.1664 T>C at the cDNA level. The Met555Thr variant in the MYBPC3 gene has been reported previously in one individual with HCM and one individual with DCM (Girolami, 2006; Hershberger, 2010). Considering all publications, the Met555Thr variant was absent from 692 control individuals of various ethnic backgrounds, however Hershberger et al. (2010) described the Met555Thr variant as possibly disease-causing" due to the lack of affected relatives to evaluate whether Met555Thr co-segregated with a DCM phenotype (Girolami, 2006; Hershberger, 2010). The Met555Thr was also not detected in up to 200 alleles from control individuals of Caucasian ancestry, indicating it is not a common benign variant in this population. While Met555Thr results in a non-conservative amino acid substitution of a non-polar Methionine with a neutral, polar Threonine, the Met555 residue is not conserved across species, with several mammal species normally harboring a Threonine at this residue. In addition, the Met555Thr is located in a region of the MYBPC3 gene with few missense mutations, suggesting this region of the protein may tolerate change. In summary, with the clinical and molecular information available at this time, we cannot unequivocally determine whether the Met555Thr variant is a disease-causing mutation or a rare benign variant. The variant is found in DCM panel(s)."

Literature cited by the submitters: PubMed 16858239 (cited by 3 submitters); PubMed 18533079 (cited by 3 submitters); PubMed 20215591 (cited by 3 submitters); PubMed 26656175 (cited by 3 submitters); PubMed 31424582 (cited by 3 submitters).